The following is an entry in ClinVar:

NM_000540.3(RYR1):c.2662C>G (p.Gln888Glu)

Gene: RYR1 (ryanodine receptor 1; plus strand). Cytogenetic location: 19q13.2.
Variant type: single nucleotide variant.
Coding change: c.2662C>G on transcript NM_000540.3 (MANE Select); coding-DNA position 2662, C replaced by G.
Protein change: p.Gln888Glu; replaces glutamine 888 with glutamic acid.
Molecular consequence: missense variant.
Genome position (GRCh38, 1-based): chr19:38,463,507, C>G. VCF-style: chr19-38463507-C-G. GRCh37 (hg19) VCF-style: chr19-38954147-C-G.
Other names: c.2662C>G, p.Gln888Glu (NM_001042723.2); short protein forms Q888E.
Identifiers: ClinVar variation 3387671 (VCV003387671.1).

ClinVar aggregate classification (germline): Uncertain significance (1 of 4 stars; one submission).

Conditions:
Malignant hyperthermia, susceptibility to, 1 (MHS1). Also called: Anesthesia related hyperthermia; Malignant hyperpyrexia; Fulminating hyperpyrexia; Pharmacogenic myopathy; RYR1-Related Malignant Hyperthermia Susceptibility; Malignant hyperthermia suceptibility 1. Identifiers: Orphanet 423, MedGen C2930980, MONDO:0007783, OMIM 145600.

gnomAD v4.1: 1 of 1,612,904 alleles (0.000062%); highest among the groups gnomAD compares: Admixed American, 0.0017%; no homozygotes.

Submission:

All of Us Research Program, National Institutes of Health
Classification: Uncertain significance for Malignant hyperthermia, susceptibility to, 1. Last evaluated: 2024-05-14. Review status: criteria provided, single submitter. Criteria: ACMG Guidelines, 2015. Collection method: clinical testing. Allele origin: germline. Inheritance: Autosomal dominant inheritance. Observed: 1 variant allele, 1 heterozygote.
Comment: This missense variant replaces glutamine with glutamic acid at codon 888 of the RYR1 protein. Computational prediction is inconclusive regarding the impact of this variant on protein structure and function. To our knowledge, functional studies have not been reported for this variant. This variant has not been reported in individuals affected with RYR1-related disorders in the literature. This variant has been identified in 1/248994 chromosomes in the general population by the Genome Aggregation Database (gnomAD). The available evidence is insufficient to determine the role of this variant in disease conclusively. Therefore, this variant is classified as a Variant of Uncertain Significance.

This study involves interpretation of variants in research participants for the purpose of population health screening. Participant phenotype was not available at the time of variant classification. Additional details can be found in publication PMID: 35346344, PMCID: PMC8962531